The following is an entry in ClinVar:

NM_001033855.3(DCLRE1C):c.178_179dup (p.Cys61fs)

Gene: DCLRE1C (DNA cross-link repair 1C; minus strand). Cytogenetic location: 10p13.
Variant type: Microsatellite.
Coding change: c.178_179dup on transcript NM_001033855.3 (MANE Select); coding-DNA positions 178 to 179, 2 bases duplicated (TA; older notation c.178_179dupTA).
Protein change: p.Cys61fs; shifts the reading frame from cysteine 61.
Molecular consequence: frameshift variant. On other transcripts: 5 prime UTR variant (8), non-coding transcript variant (4), intron variant (1).
Genome position (GRCh38, 1-based): chr10:14,945,172-14,945,173, TA duplicated on the plus strand (TA on the coding strand, the reverse complement: DCLRE1C is on the minus strand); duplicating any 2 consecutive bases within chr10:14,945,172-14,945,175 gives the same sequence; the c. name uses the placement nearest the transcript's 3' end. VCF-style (leftmost placement, unchanged base first): chr10-14945171-G-GTA. GRCh37 (hg19) VCF-style: chr10-14987170-G-GTA.
Other names: c.-185TA[3] (NM_001033857.3, NM_001289077.2, NM_001350967.2); c.-507TA[3] (NM_001033858.3, NM_001289079.2); c.-114TA[3] (NM_001289078.2, NM_001350966.2, NM_022487.4); c.178_179dup, p.Cys61fs (NM_001350965.2); c.-44+3861TA[3] (NM_001289076.2); short protein forms C61fs.
Identifiers: ClinVar variation 2815490 (VCV002815490.3), dbSNP rs2492301012, ClinGen allele CA2739265304.
Genomic context (GRCh38, chr10:14,945,171, plus strand): 5'-TTTCTTCCAAAATCTGTATTTCGGGCTCGTTAACAACAACTCCTTAGTCACAGGTGAACA[G>GTA]TATAGATAAACCTTCAAGCTGAAAGGAAAAAAGAAAAAAACTTTCAGTACAATCCAAAAT-3'

ClinVar aggregate classification (germline): Pathogenic (1 of 4 stars; one submission).

Conditions:
Severe combined immunodeficiency due to DCLRE1C deficiency (RS-SCID). Also called: SCID, AUTOSOMAL RECESSIVE, T CELL-NEGATIVE, B CELL-NEGATIVE, NK CELL-POSITIVE, WITH SENSITIVITY TO IONIZING RADIATION. Identifiers: Orphanet 275, MedGen C1865371, MONDO:0011225, OMIM 602450.

Submission:

Labcorp Genetics (formerly Invitae), Labcorp
Classification: Pathogenic for Athabaskan severe combined immunodeficiency. Last evaluated: 2022-11-20. Review status: criteria provided, single submitter. Criteria: Invitae Variant Classification Sherloc (09022015). Collection method: clinical testing. Allele origin: germline.
Comment: This sequence change creates a premature translational stop signal (p.Cys61Thrfs*5) in the DCLRE1C gene. It is expected to result in an absent or disrupted protein product. Loss-of-function variants in DCLRE1C are known to be pathogenic (PMID: 21664875, 26123418). This variant is not present in population databases (gnomAD no frequency). This variant has not been reported in the literature in individuals affected with DCLRE1C-related conditions. For these reasons, this variant has been classified as Pathogenic.

Literature cited by the submitters: PubMed 21664875; PubMed 26123418.